The following is an entry in ClinVar:

ClinVar aggregate classification (germline): Uncertain significance (1 of 4 stars; one submission).

Conditions:
Lysinuric protein intolerance (LPI). Identifiers: Orphanet 470, MedGen C0268647, MONDO:0009109, OMIM 222700.

gnomAD v4.1: 1 of 1,614,208 alleles (0.000062%); no homozygotes.

Submission:

Labcorp Genetics (formerly Invitae), Labcorp
Classification: Uncertain significance for Lysinuric protein intolerance. Last evaluated: 2022-04-26. Review status: criteria provided, single submitter. Criteria: Invitae Variant Classification Sherloc (09022015). Collection method: clinical testing. Allele origin: germline.
Comment: This sequence change replaces methionine, which is neutral and non-polar, with isoleucine, which is neutral and non-polar, at codon 287 of the SLC7A7 protein (p.Met287Ile). This variant is not present in population databases (gnomAD no frequency). This variant has not been reported in the literature in individuals affected with SLC7A7-related conditions. Algorithms developed to predict the effect of missense changes on protein structure and function output the following: SIFT: "Tolerated"; PolyPhen-2: "Benign"; Align-GVGD: "Class C0". The isoleucine amino acid residue is found in multiple mammalian species, which suggests that this missense change does not adversely affect protein function. In summary, the available evidence is currently insufficient to determine the role of this variant in disease. Therefore, it has been classified as a Variant of Uncertain Significance.

NM_003982.4(SLC7A7):c.861G>A (p.Met287Ile)

Gene: SLC7A7 (solute carrier family 7 member 7; minus strand). Cytogenetic location: 14q11.2.
Variant type: single nucleotide variant.
Coding change: c.861G>A on transcript NM_003982.4 (MANE Select); coding-DNA position 861, G replaced by A.
Protein change: p.Met287Ile; replaces methionine 287 with isoleucine.
Molecular consequence: missense variant.
Genome position (GRCh38, 1-based): chr14:22,776,228, C>T on the plus strand (G>A on the coding strand, the complement: SLC7A7 is on the minus strand). VCF-style: chr14-22776228-C-T. GRCh37 (hg19) VCF-style: chr14-23245437-C-T.
Other names: c.861G>A, p.Met287Ile (NM_001126105.3, NM_001126106.4); short protein forms M287I.
Identifiers: ClinVar variation 2054184 (VCV002054184.1), dbSNP rs1396222186, ClinGen allele CA388923542.
Genomic context (GRCh38, chr14:22,776,228, plus strand): 5'-AACCTTCTGCTAGTGAAAATCCTTTACCACAGCAACAGCATCACTGGCCAAGATGTCTCT[C>T]ATGTCTAGCACAGTATAATAGGCCACATTGGTCAAGATATAGATGATGGTGACAATGGGC-3'
Protein context (NP_003973.3, residues 277-297): TNVAYYTVLD[Met287Ile]RDILASDAVA